The following is an entry in ClinVar:

NM_080680.3(COL11A2):c.2927G>T (p.Gly976Val)

Gene: COL11A2 (collagen type XI alpha 2 chain; minus strand). Cytogenetic location: 6p21.32.
Variant type: single nucleotide variant.
Coding change: c.2927G>T on transcript NM_080680.3 (MANE Select); coding-DNA position 2927, G replaced by T.
Protein change: p.Gly976Val; replaces glycine 976 with valine.
Molecular consequence: missense variant.
Genome position (GRCh38, 1-based): chr6:33,172,350, C>A on the plus strand (G>T on the coding strand, the complement: COL11A2 is on the minus strand). VCF-style: chr6-33172350-C-A. GRCh37 (hg19) VCF-style: chr6-33140127-C-A.
Other names: c.2747G>T, p.Gly916Val (NM_001424108.1); c.2081G>T, p.Gly694Val (NM_001424109.1); c.1901G>T, p.Gly634Val (NM_001424110.1, NM_001424111.1); c.881G>T, p.Gly294Val (NM_001424112.1); c.2606G>T, p.Gly869Val (NM_080679.3); c.2669G>T, p.Gly890Val (NM_080681.3); short protein forms G890V, G916V, G294V, G634V, G694V, G869V, G976V.
Identifiers: ClinVar variation 3686871 (VCV003686871.2).

ClinVar aggregate classification (germline): Uncertain significance (1 of 4 stars; one submission).

Submission:

Labcorp Genetics (formerly Invitae), Labcorp
Classification: Uncertain significance. Last evaluated: 2024-08-15. Review status: criteria provided, single submitter. Criteria: Invitae Variant Classification Sherloc (09022015). Collection method: clinical testing. Allele origin: germline.
Comment: This sequence change replaces glycine, which is neutral and non-polar, with valine, which is neutral and non-polar, at codon 976 of the COL11A2 protein (p.Gly976Val). This variant is not present in population databases (gnomAD no frequency). This variant has not been reported in the literature in individuals affected with COL11A2-related conditions. Invitae Evidence Modeling of protein sequence and biophysical properties (such as structural, functional, and spatial information, amino acid conservation, physicochemical variation, residue mobility, and thermodynamic stability) indicates that this missense variant is expected to disrupt COL11A2 protein function with a positive predictive value of 95%. In summary, the available evidence is currently insufficient to determine the role of this variant in disease. Therefore, it has been classified as a Variant of Uncertain Significance.